The following is an entry in ClinVar:

ClinVar aggregate classification (germline): Benign (0 of 4 stars; one submission).

Conditions:
NLRP5-related disorder. Also called: NLRP5-related condition.

Allele frequency attached by ClinVar (database versions not stated): ESP Exome Variant Server 0.09354; 1000 Genomes Project 0.12500; ExAC 0.12984; TOPMed 0.09743; 1000 Genomes Project 30x 0.11743; gnomAD exomes 0.11997; gnomAD 0.09907.
gnomAD v4.1: 190,251 of 1,613,570 alleles (12%); highest among the groups gnomAD compares: South Asian, 23%; 12,161 homozygotes.

Submission:

PreventionGenetics, part of Exact Sciences
Classification: Benign for NLRP5-related condition. Last evaluated: 2024-02-20. Review status: no assertion criteria provided. Collection method: clinical testing. Allele origin: germline.
Comment: This variant is classified as benign based on ACMG/AMP sequence variant interpretation guidelines (Richards et al. 2015 PMID: 25741868, with internal and published modifications).

NM_001433705.1(NLRP5):c.1224G>C (p.Met408Ile)

Genes: NLRP5 (NLR family pyrin domain containing 5; plus strand), LOC126862935 (BRD4-independent group 4 enhancer GRCh37_chr19:56537936-56539135; plus strand). Cytogenetic location: 19q13.43.
Variant type: single nucleotide variant.
Coding change: c.1224G>C on transcript NM_001433705.1 (MANE Select); coding-DNA position 1224, G replaced by C.
Protein change: p.Met408Ile; replaces methionine 408 with isoleucine.
Molecular consequence: missense variant.
Genome position (GRCh38, 1-based): chr19:56,027,610, G>C. VCF-style: chr19-56027610-G-C. GRCh37 (hg19) VCF-style: chr19-56538976-G-C.
Other names: NM_153447.4:c.1377G>C; short protein forms M408I.
Identifiers: ClinVar variation 3060102 (VCV003060102.2), dbSNP rs471979, ClinGen allele CA9685539.